The following is an entry in ClinVar:

ClinVar aggregate classification (germline): Uncertain significance (1 of 4 stars; one submission).

Submission:

Labcorp Genetics (formerly Invitae), Labcorp
Classification: Uncertain significance. Last evaluated: 2022-03-13. Review status: criteria provided, single submitter. Criteria: Invitae Variant Classification Sherloc (09022015). Collection method: clinical testing. Allele origin: germline.
Comment: This sequence change replaces glycine, which is neutral and non-polar, with arginine, which is basic and polar, at codon 1634 of the COL4A5 protein (p.Gly1634Arg). This variant is not present in population databases (gnomAD no frequency). This variant has not been reported in the literature in individuals affected with COL4A5-related conditions. Advanced modeling of protein sequence and biophysical properties (such as structural, functional, and spatial information, amino acid conservation, physicochemical variation, residue mobility, and thermodynamic stability) performed at Invitae indicates that this missense variant is expected to disrupt COL4A5 protein function. In summary, the available evidence is currently insufficient to determine the role of this variant in disease. Therefore, it has been classified as a Variant of Uncertain Significance.

NM_033380.3(COL4A5):c.4918G>A (p.Gly1640Arg)

Gene: COL4A5 (collagen type IV alpha 5 chain; plus strand). Cytogenetic location: Xq22.3.
Variant type: single nucleotide variant.
Coding change: c.4918G>A on transcript NM_033380.3 (MANE Select); coding-DNA position 4918, G replaced by A.
Protein change: p.Gly1640Arg; replaces glycine 1640 with arginine.
Molecular consequence: missense variant.
Genome position (GRCh38, 1-based): chrX:108,695,363, G>A. VCF-style: chrX-108695363-G-A. GRCh37 (hg19) VCF-style: chrX-107938593-G-A.
Other names: c.4900G>A, p.Gly1634Arg (NM_000495.5); short protein forms G1634R, G1640R.
Identifiers: ClinVar variation 2110912 (VCV002110912.1), dbSNP rs2524654066, ClinGen allele CA414132843.